The following is an entry in ClinVar:

NM_000540.3(RYR1):c.15061G>T (p.Asp5021Tyr)

Gene: RYR1 (ryanodine receptor 1; plus strand). Cytogenetic location: 19q13.2.
Variant type: single nucleotide variant.
Coding change: c.15061G>T on transcript NM_000540.3 (MANE Select); coding-DNA position 15061, G replaced by T.
Protein change: p.Asp5021Tyr; replaces aspartic acid 5021 with tyrosine.
Molecular consequence: missense variant.
Genome position (GRCh38, 1-based): chr19:38,587,364, G>T. VCF-style: chr19-38587364-G-T. GRCh37 (hg19) VCF-style: chr19-39078004-G-T.
Other names: c.15046G>T, p.Asp5016Tyr (NM_001042723.2); short protein forms D5021Y, D5016Y.
Identifiers: ClinVar variation 590480 (VCV000590480.6), dbSNP rs779358618, ClinGen allele CA062041.
Genomic context (GRCh38, chr19:38,587,364, plus strand): 5'-TCTTTCTATCCCCAATCCTAGGAGTCTTATGTCTGGAAGATGTACCAAGAGAGATGTTGG[G>T]ATTTCTTCCCAGCTGGTGATTGTTTCCGTAAGCAGTATGAGGACCAGCTTAGCTGACACA-3'
Protein context (NP_000531.2, residues 5011-5031): VWKMYQERCW[Asp5021Tyr]FFPAGDCFRK

ClinVar aggregate classification (germline): Uncertain significance. Review status: criteria provided, multiple submitters, no conflicts (2 of 4 stars). 2 submissions from 2 submitters: Uncertain significance (2). Last evaluated 2023-12-11.

Conditions:
RYR1-related disorder. Also called: RYR1-related disorders; RYR1-related condition. Identifiers: MedGen CN239331.

Allele frequency attached by ClinVar (database versions not stated): TOPMed below 0.00001; ExAC 0.00002; gnomAD exomes 0.00002.
gnomAD v4.1: 8 of 1,614,026 alleles (0.0005%); highest among the groups gnomAD compares: African/African-American, 0.0013%; no homozygotes.

Submissions (2):

Labcorp Genetics (formerly Invitae), Labcorp
Classification: Uncertain significance for RYR1-related disorder. Last evaluated: 2023-12-11. Review status: criteria provided, single submitter. Criteria: Invitae Variant Classification Sherloc (09022015). Collection method: clinical testing. Allele origin: germline.
Comment: This sequence change replaces aspartic acid, which is acidic and polar, with tyrosine, which is neutral and polar, at codon 5021 of the RYR1 protein (p.Asp5021Tyr). This variant is present in population databases (rs779358618, gnomAD 0.007%). This variant has not been reported in the literature in individuals affected with RYR1-related conditions. ClinVar contains an entry for this variant (Variation ID: 590480). Advanced modeling of protein sequence and biophysical properties (such as structural, functional, and spatial information, amino acid conservation, physicochemical variation, residue mobility, and thermodynamic stability) performed at Invitae indicates that this missense variant is expected to disrupt RYR1 protein function with a positive predictive value of 95%. In summary, the available evidence is currently insufficient to determine the role of this variant in disease. Therefore, it has been classified as a Variant of Uncertain Significance.

PreventionGenetics, part of Exact Sciences
Classification: Uncertain significance. Last evaluated: 2017-01-22. Review status: criteria provided, single submitter. Criteria: ACMG Guidelines, 2015. Collection method: clinical testing. Allele origin: germline.